The following is an entry in ClinVar:

NM_024675.4(PALB2):c.2975T>C (p.Met992Thr)

Gene: PALB2 (partner and localizer of BRCA2; minus strand). Cytogenetic location: 16p12.2.
Variant type: single nucleotide variant.
Coding change: c.2975T>C on transcript NM_024675.4 (MANE Select); coding-DNA position 2975, T replaced by C.
Protein change: p.Met992Thr; replaces methionine 992 with threonine.
Molecular consequence: missense variant.
Genome position (GRCh38, 1-based): chr16:23,622,990, A>G on the plus strand (T>C on the coding strand, the complement: PALB2 is on the minus strand). VCF-style: chr16-23622990-A-G. GRCh37 (hg19) VCF-style: chr16-23634311-A-G.
Other names: short protein forms M992T.
Identifiers: ClinVar variation 1008588 (VCV001008588.12), dbSNP rs1597081111, ClinGen allele CA395143939.
Genomic context (GRCh38, chr16:23,622,990, plus strand): 5'-TTCATCTAATAGTTAAAAATCAATCAATGCTTTTCTTACCCTCCATCTTCTGCAAACGTC[A>G]TGACTTCTACTTGTTGATCAGAAAGGGTCCCACTGCTACTAACTAGCCTCCTCTTTGTCA-3'
Protein context (NP_078951.2, residues 982-1002): GTLSDQQVEV[Met992Thr]TFAEDGGGKE

ClinVar aggregate classification (germline): Uncertain significance. Review status: criteria provided, multiple submitters, no conflicts (2 of 4 stars). 2 submissions from 2 submitters: Uncertain significance (2). Last evaluated 2023-12-09.

Conditions:
Hereditary cancer-predisposing syndrome. Also called: Tumor predisposition; Hereditary neoplastic syndrome; Neoplastic Syndromes, Hereditary; Hereditary Cancer Syndrome. Identifiers: Orphanet 140162, MedGen C0027672, MeSH D009386, MONDO:0015356.
Familial cancer of breast. Also called: BREAST CANCER, FAMILIAL; Hereditary breast cancer; hereditary breast carcinoma. Identifiers: Orphanet 227535, MedGen C0346153, MONDO:0016419, OMIM 114480. Disease mechanism: loss of function.

Submissions (2):

Labcorp Genetics (formerly Invitae), Labcorp
Classification: Uncertain significance for Familial cancer of breast. Last evaluated: 2023-12-09. Review status: criteria provided, single submitter. Criteria: Invitae Variant Classification Sherloc (09022015). Collection method: clinical testing. Allele origin: germline.
Comment: This sequence change replaces methionine, which is neutral and non-polar, with threonine, which is neutral and polar, at codon 992 of the PALB2 protein (p.Met992Thr). This variant is not present in population databases (gnomAD no frequency). This variant has not been reported in the literature in individuals affected with PALB2-related conditions. ClinVar contains an entry for this variant (Variation ID: 1008588). Advanced modeling of protein sequence and biophysical properties (such as structural, functional, and spatial information, amino acid conservation, physicochemical variation, residue mobility, and thermodynamic stability) performed at Invitae indicates that this missense variant is not expected to disrupt PALB2 protein function with a negative predictive value of 80%. In summary, the available evidence is currently insufficient to determine the role of this variant in disease. Therefore, it has been classified as a Variant of Uncertain Significance.

Ambry Genetics
Classification: Uncertain significance for Hereditary cancer-predisposing syndrome. Last evaluated: 2022-10-28. Review status: criteria provided, single submitter. Criteria: Ambry Variant Classification Scheme 2023. Collection method: clinical testing. Allele origin: germline.
Comment: The p.M992T variant (also known as c.2975T>C), located in coding exon 9 of the PALB2 gene, results from a T to C substitution at nucleotide position 2975. The methionine at codon 992 is replaced by threonine, an amino acid with similar properties. This amino acid position is conserved. In addition, this alteration is predicted to be tolerated by in silico analysis. Since supporting evidence is limited at this time, the clinical significance of this alteration remains unclear.